The following is an entry in ClinVar:

ClinVar aggregate classification (germline): Uncertain significance. Review status: criteria provided, multiple submitters, no conflicts (2 of 4 stars). 2 submissions from 2 submitters: Uncertain significance (2). Last evaluated 2011-08-12.

Submissions (2):

ISCA site 14
Classification: Uncertain significance. Last evaluated: 2011-08-12. Review status: criteria provided, single submitter. Criteria: Kaminsky et al. (Genet Med. 2011). Collection method: clinical testing. Allele origin: unknown. Affected: yes. Observed: 1 variant allele.
Comment: Copy number variation identified through the course of routine clinical cytogenomic testing in postnatal populations. Clinical assertions have been curated as described in Kaminsky et al. 2011.

ISCA site 4
Classification: Uncertain significance. Last evaluated: 2011-08-12. Review status: criteria provided, single submitter. Criteria: Kaminsky et al. (Genet Med. 2011). Collection method: clinical testing. Allele origin: unknown, maternal. Affected: yes. Observed: 2 variant alleles.
Comment: the same text as in the submission from ISCA site 14 above.

GRCh38/hg38 12p12.1(chr12:24638349-25193743)x3

Genes: LINC02909 (long intergenic non-protein coding RNA 2909; minus strand), IRAG2 (inositol 1,4,5-triphosphate receptor associated 2; plus strand), BCAT1 (branched chain amino acid transaminase 1; minus strand), BCAT1-AS1 (BCAT1 antisense RNA 1; plus strand), BCAT1-DT (BCAT1 divergent transcript; plus strand) and 20 more. Cytogenetic location: 12p12.1.
Variant type: copy number gain.
Change: copy number 3 (three copies instead of two) of chr12:24,638,349-25,193,743 (555.4 kb, GRCh38 coordinates, 1-based), cytogenetic band 12p12.1.
Identifiers: ClinVar variation 160781 (VCV000160781.1).